The following is an entry in ClinVar:

NM_001355436.2(SPTB):c.208C>T (p.Arg70Ter)

Gene: SPTB (spectrin beta, erythrocytic; minus strand). Cytogenetic location: 14q23.3.
Variant type: single nucleotide variant.
Coding change: c.208C>T on transcript NM_001355436.2 (MANE Select); coding-DNA position 208, C replaced by T.
Protein change: p.Arg70Ter; replaces arginine 70 with a stop codon.
Molecular consequence: nonsense.
Genome position (GRCh38, 1-based): chr14:64,805,031, G>A on the plus strand (C>T on the coding strand, the complement: SPTB is on the minus strand). VCF-style: chr14-64805031-G-A. GRCh37 (hg19) VCF-style: chr14-65271749-G-A.
Other names: p.Arg70*; c.208C>T, p.Arg70Ter (NM_001024858.4, NM_001355437.2); c.208C>T (NM_001024858.2); short protein forms R70*.
Identifiers: ClinVar variation 993595 (VCV000993595.57), dbSNP rs1566775577, ClinGen allele CA390036090.
Genomic context (GRCh38, chr14:64,805,031, plus strand): 5'-TGATGAGCATGCGCCCATCCCGCAGGTCCTTGTAGAGATCGGTGATGCGGCAGGACACTC[G>A]AGCCAGGTGCGAGTTCACCCATTTCGTGAAGGTCTTTTTCTGAACAACTTCCCGCTCATC-3'

ClinVar aggregate classification (germline): Pathogenic/Likely pathogenic. Review status: criteria provided, multiple submitters, no conflicts (2 of 4 stars). 6 submissions from 6 submitters: Pathogenic (3); Likely pathogenic (2). 1 of the submissions does not count toward it. Last evaluated 2025-11-05.

Conditions:
SPTB-related disorder. Also called: SPTB-Related Disorders; SPTB-related condition.

Submissions (6):

Labcorp Genetics (formerly Invitae), Labcorp
Classification: Pathogenic. Last evaluated: 2025-11-05. Review status: criteria provided, single submitter. Criteria: Invitae Variant Classification Sherloc (09022015). Collection method: clinical testing. Allele origin: germline.
Comment: This sequence change creates a premature translational stop signal (p.Arg70*) in the SPTB gene. It is expected to result in an absent or disrupted protein product. Loss-of-function variants in SPTB are known to be pathogenic (PMID: 1391962, 1498324, 8844207, 26830532, 27292444). This variant is not present in population databases (gnomAD no frequency). This premature translational stop signal has been observed in individual(s) with hereditary spherocytosis (PMID: 31122244, 32436265). ClinVar contains an entry for this variant (Variation ID: 993595). For these reasons, this variant has been classified as Pathogenic.

ARUP Laboratories, Molecular Genetics and Genomics, ARUP Laboratories
Classification: Pathogenic. Last evaluated: 2024-06-27. Review status: criteria provided, single submitter. Criteria: ARUP Molecular Germline Variant Investigation Process 2024. Collection method: clinical testing. Allele origin: germline.
Comment: The SPTB c.208C>T; p.Arg70Ter variant (rs1566775577, ClinVar Variation ID 993595) is reported in the literature in individuals affected with hereditary spherocytosis (Choi 2019) (Tole 2020). This variant is absent from the Genome Aggregation Database (v2.1.1), indicating it is not a common polymorphism. This variant induces an early termination codon and is predicted to result in a truncated protein or mRNA subject to nonsense-mediated decay. Based on available information, this variant is considered to be pathogenic. References:Choi HS et al. Molecular diagnosis of hereditary spherocytosis by multi-gene target sequencing in Korea: matching with osmotic fragility test and presence of spherocyte. Orphanet J Rare Dis. 2019 May 23. PMID: 31122244. Tole S et al. Genotype-phenotype correlation in children with hereditary spherocytosis. Br J Haematol. 2020 Nov. PMID: 32436265.

Revvity Omics, Revvity
Classification: Pathogenic. Last evaluated: 2024-05-13. Review status: criteria provided, single submitter. Criteria: ACMG Guidelines, 2015. Collection method: clinical testing. Allele origin: germline.

Mayo Clinic Laboratories, Mayo Clinic
Classification: Likely pathogenic. Last evaluated: 2022-05-31. Review status: criteria provided, single submitter. Criteria: ACMG Guidelines, 2015. Collection method: clinical testing. Allele origin: germline. Observed: 1 variant allele.
Comment: PM2, PVS1

MVZ Dr. Eberhard & Partner Dortmund
Classification: Likely pathogenic. Last evaluated: 2021-11-22. Review status: criteria provided, single submitter. Criteria: ACMG Guidelines, 2015. Collection method: clinical testing. Allele origin: unknown. Observed: 1 heterozygote.
Comment: The substitution of C to T leads to a premature STOP codon at Arg70. Due to the nonsense mutation and the possibility of nonsense mediated decay, a null variant with loss of function is created in a gene where loss of function is a common mechanism of disease. This variant is absent from controls in Exome Sequencing Project, 1000 Genomes Project and the Genome Aggregation Database. This variant is considered be likely pathogenic according to the ACMG guidelines.

PreventionGenetics, part of Exact Sciences
Classification: Pathogenic for SPTB-related condition. Last evaluated: 2024-09-12. Review status: no assertion criteria provided. Collection method: clinical testing. Allele origin: germline. Not counted in ClinVar's aggregate classification.
Comment: The SPTB c.208C>T variant is predicted to result in premature protein termination (p.Arg70*). This variant was reported to be causative for autosomal dominant hereditary spherocytosis (Choi et al. 2019. PubMed ID: 31122244; Tole et al. 2020. PubMed ID: 32436265). This variant has not been reported in a large population database, indicating this variant is rare. Nonsense variants in SPTB are expected to be pathogenic. This variant is interpreted as pathogenic.

Literature cited by the submitters: PubMed 1391962 (cited by Labcorp Genetics (formerly Invitae), Labcorp); PubMed 1498324 (cited by Labcorp Genetics (formerly Invitae), Labcorp); PubMed 8844207 (cited by Labcorp Genetics (formerly Invitae), Labcorp); PubMed 26830532 (cited by Labcorp Genetics (formerly Invitae), Labcorp); PubMed 27292444 (cited by Labcorp Genetics (formerly Invitae), Labcorp); PubMed 31122244 (cited by Labcorp Genetics (formerly Invitae), Labcorp); PubMed 32436265 (cited by Labcorp Genetics (formerly Invitae), Labcorp).